The following is an entry in ClinVar:

NM_005236.3(ERCC4):c.973+11A>T

Gene: ERCC4 (ERCC excision repair 4, endonuclease catalytic subunit; plus strand). Cytogenetic location: 16p13.12.
Variant type: single nucleotide variant.
Coding change: c.973+11A>T on transcript NM_005236.3 (MANE Select); 11 bases into the intron after coding-DNA position 973, A replaced by T.
Molecular consequence: intron variant.
Genome position (GRCh38, 1-based): chr16:13,930,901, A>T. VCF-style: chr16-13930901-A-T. GRCh37 (hg19) VCF-style: chr16-14024758-A-T.
Identifiers: ClinVar variation 888039 (VCV000888039.19), dbSNP rs185779788, ClinGen allele CA7910316.
Genomic context (GRCh38, chr16:13,930,901, plus strand): 5'-TCTTCTGGAATCTCTGAGAGCAACGGAAAAAGCTTTTGGTCAGAATTCAGGTGGGAGATT[A>T]AAATACTAATAATATTCTAAGAGCTGATTTGAATAAAGTGTTAGGTTTTAGGGGGAATCA-3'

ClinVar aggregate classification (germline): Conflicting classifications of pathogenicity. Review status: criteria provided, conflicting classifications (1 of 4 stars). 5 submissions from 5 submitters: Uncertain significance (1); Benign (1); Likely benign (3). Last evaluated 2026-01-20.

Conditions:
Xeroderma pigmentosum, group F (XPF). Also called: XERODERMA PIGMENTOSUM VI; XP, GROUP F; XERODERMA PIGMENTOSUM, TYPE F; Xeroderma pigmentosum, type 6; XERODERMA PIGMENTOSUM, COMPLEMENTATION GROUP F; ERCC4-Related Xeroderma Pigmentosum. Identifiers: MedGen C0268140, MONDO:0010215, OMIM 278760.
Cockayne syndrome. Identifiers: Orphanet 191, MedGen C0009207, MONDO:0016006.
Fanconi anemia complementation group Q. Identifiers: Orphanet 84, MedGen C3808988, MONDO:0014108, OMIM 615272.

Allele frequency attached by ClinVar (database versions not stated): gnomAD exomes 0.00024 and 0.00051; gnomAD 0.00013 and 0.00025; TOPMed 0.00025; ExAC 0.00052; 1000 Genomes Project 30x 0.00109; 1000 Genomes Project 0.00120.
gnomAD v4.1: 367 of 1,570,968 alleles (0.023%); highest among the groups gnomAD compares: East Asian, 0.79%; 1 homozygote.

Submissions (5):

Labcorp Genetics (formerly Invitae), Labcorp
Classification: Benign for Fanconi anemia complementation group Q; Xeroderma pigmentosum, group F; Cockayne syndrome. Last evaluated: 2026-01-20. Review status: criteria provided, single submitter. Criteria: Invitae Variant Classification Sherloc (09022015). Collection method: clinical testing. Allele origin: germline.

Blueprint Genetics
Classification: Likely benign. Last evaluated: 2023-10-18. Review status: criteria provided, single submitter. Criteria: ACMG Guidelines, 2015. Collection method: clinical testing. Allele origin: germline.

Institute for Clinical Genetics, University Hospital TU Dresden, University Hospital TU Dresden
Classification: Uncertain significance. Last evaluated: 2021-11-03. Review status: criteria provided, single submitter. Criteria: ACMG Guidelines, 2015. Collection method: clinical testing. Allele origin: germline.

Genetic Services Laboratory, University of Chicago
Classification: Likely benign. Last evaluated: 2018-07-05. Review status: criteria provided, single submitter. Criteria: ACMG Guidelines, 2015. Collection method: clinical testing. Allele origin: germline. Affected: no.

Illumina Laboratory Services, Illumina
Classification: Likely benign for Xeroderma pigmentosum, group F. Last evaluated: 2018-01-12. Review status: criteria provided, single submitter. Criteria: ICSL Variant Classification Criteria 13 December 2019. Collection method: clinical testing. Allele origin: germline.
Comment: This variant was observed in the ICSL laboratory as part of a predisposition screen in an ostensibly healthy population. It had not been previously curated by ICSL or reported in the Human Gene Mutation Database (HGMD: prior to June 1st, 2018), and was therefore a candidate for classification through an automated scoring system. Utilizing variant allele frequency, disease prevalence and penetrance estimates, and inheritance mode, an automated score was calculated to assess if this variant is too frequent to cause the disease. Based on the score and internal cut-off values, a variant classified as likely benign is not then subjected to further curation. The score for this variant resulted in a classification of likely benign for this disease.